The following is an entry in ClinVar:

ClinVar aggregate classification (germline): Uncertain significance (1 of 4 stars; one submission).

Allele frequency attached by ClinVar (database versions not stated): gnomAD exomes below 0.00001; TOPMed below 0.00001.
gnomAD v4.1: 6 of 1,592,570 alleles (0.00038%); highest among the groups gnomAD compares: Admixed American, 0.0017%; no homozygotes.

Submission:

Labcorp Genetics (formerly Invitae), Labcorp
Classification: Uncertain significance. Last evaluated: 2022-12-02. Review status: criteria provided, single submitter. Criteria: Invitae Variant Classification Sherloc (09022015). Collection method: clinical testing. Allele origin: germline.
Comment: In summary, the available evidence is currently insufficient to determine the role of this variant in disease. Therefore, it has been classified as a Variant of Uncertain Significance. Algorithms developed to predict the effect of sequence changes on RNA splicing suggest that this variant may disrupt the consensus splice site. Algorithms developed to predict the effect of missense changes on protein structure and function are either unavailable or do not agree on the potential impact of this missense change (SIFT: "Deleterious"; PolyPhen-2: "Benign"; Align-GVGD: "Class C0"). This variant has not been reported in the literature in individuals affected with CACNA2D4-related conditions. This variant is not present in population databases (gnomAD no frequency). This sequence change replaces arginine, which is basic and polar, with glycine, which is neutral and non-polar, at codon 781 of the CACNA2D4 protein (p.Arg781Gly).

NM_172364.5(CACNA2D4):c.2341A>G (p.Arg781Gly)

Gene: CACNA2D4 (calcium voltage-gated channel auxiliary subunit alpha2delta 4; minus strand). Cytogenetic location: 12p13.33.
Variant type: single nucleotide variant.
Coding change: c.2341A>G on transcript NM_172364.5 (MANE Select); coding-DNA position 2341, A replaced by G.
Protein change: p.Arg781Gly; replaces arginine 781 with glycine.
Molecular consequence: missense variant.
Genome position (GRCh38, 1-based): chr12:1,846,595, T>C on the plus strand (A>G on the coding strand, the complement: CACNA2D4 is on the minus strand). VCF-style: chr12-1846595-T-C. GRCh37 (hg19) VCF-style: chr12-1955761-T-C.
Other names: short protein forms R781G.
Identifiers: ClinVar variation 3003899 (VCV003003899.3), dbSNP rs1865149435, ClinGen allele CA383359202.